The following is an entry in ClinVar:

NM_001385001.1(MCTP2):c.1422C>T (p.Ser474=)

Gene: MCTP2 (multiple C2 and transmembrane domain containing 2; plus strand). Cytogenetic location: 15q26.2.
Variant type: single nucleotide variant.
Coding change: c.1422C>T on transcript NM_001385001.1 (MANE Select); coding-DNA position 1422, C replaced by T.
Protein change: p.Ser474=; no amino-acid change (serine 474 retained).
Molecular consequence: synonymous variant. On other transcripts: non-coding transcript variant (7).
Genome position (GRCh38, 1-based): chr15:94,367,725, C>T. VCF-style: chr15-94367725-C-T. GRCh37 (hg19) VCF-style: chr15-94910954-C-T.
Other names: c.1422C>T, p.Ser474= (NM_001159643.2, NM_001385002.1, NM_001385003.1 and 5 more transcripts); c.186C>T, p.Ser62= (NM_001159644.2); c.1140C>T, p.Ser380= (NM_001385007.1); c.924C>T, p.Ser308= (NM_001385009.1, NM_001385010.1); c.1104C>T, p.Ser368= (NM_001385011.1).
Identifiers: ClinVar variation 720835 (VCV000720835.6), dbSNP rs35416438, ClinGen allele CA7749975.

ClinVar aggregate classification (germline): Benign. Review status: criteria provided, single submitter (1 of 4 stars). 2 submissions from 2 submitters: Benign (1). 1 of the submissions does not count toward it. Last evaluated 2019-12-31.

Conditions:
MCTP2-related disorder. Also called: MCTP2-related condition.

Allele frequency attached by ClinVar (database versions not stated): gnomAD 0.00111; gnomAD exomes 0.00100 and 0.00102; ExAC 0.00085; ESP Exome Variant Server 0.00054; TOPMed 0.00061.
gnomAD v4.1: 1,627 of 1,608,478 alleles (0.1%); highest among the groups gnomAD compares: Non-Finnish European, 0.1%; 4 homozygotes.

Submissions (2):

Labcorp Genetics (formerly Invitae), Labcorp
Classification: Benign. Last evaluated: 2019-12-31. Review status: criteria provided, single submitter. Criteria: Invitae Variant Classification Sherloc (09022015). Collection method: clinical testing. Allele origin: germline.

PreventionGenetics, part of Exact Sciences
Classification: Likely benign for MCTP2-related condition. Last evaluated: 2019-03-29. Review status: no assertion criteria provided. Collection method: clinical testing. Allele origin: germline. Not counted in ClinVar's aggregate classification.
Comment: This variant is classified as likely benign based on ACMG/AMP sequence variant interpretation guidelines (Richards et al. 2015 PMID: 25741868, with internal and published modifications).